The following is an entry in ClinVar:

NM_004655.4(AXIN2):c.1908-1G>A

Gene: AXIN2 (axin 2; minus strand). Cytogenetic location: 17q24.1.
Variant type: single nucleotide variant.
Coding change: c.1908-1G>A on transcript NM_004655.4 (MANE Select); the canonical splice acceptor site of the intron before coding-DNA position 1908, G replaced by A.
Molecular consequence: splice acceptor variant.
Genome position (GRCh38, 1-based): chr17:65,536,554, C>T on the plus strand (G>A on the coding strand, the complement: AXIN2 is on the minus strand). VCF-style: chr17-65536554-C-T. GRCh37 (hg19) VCF-style: chr17-63532672-C-T.
Other names: c.1713-1G>A (NM_001363813.1).
Identifiers: ClinVar variation 464582 (VCV000464582.19), dbSNP rs773157765, ClinGen allele CA8718456.
Genomic context (GRCh38, chr17:65,536,554, plus strand): 5'-CGTTCGCCTGGAGACGAGCGGGCAGACTCCAAGGGGTAGGCCTTTTTTGTGCTTTGGGCA[C>T]TAAACAAGGAATGAGCAGAGAGAAAACAGAAGGAAAGAAACTGGGTTAGAAGAACTGGAA-3'

ClinVar aggregate classification (germline): Uncertain significance. Review status: criteria provided, multiple submitters, no conflicts (2 of 4 stars). 5 submissions from 5 submitters: Uncertain significance (5). Last evaluated 2025-12-10.

Conditions:
Hereditary cancer-predisposing syndrome. Also called: Neoplastic Syndromes, Hereditary; Tumor predisposition; Hereditary neoplastic syndrome; Hereditary Cancer Syndrome. Identifiers: Orphanet 140162, MedGen C0027672, MeSH D009386, MONDO:0015356.
Colorectal cancer. Also called: Colorectal cancer, somatic; Malignant Colorectal Neoplasm. Identifiers: MedGen C0346629, MONDO:0005575, OMIM 114500.
Oligodontia-cancer predisposition syndrome. Also called: TOOTH AGENESIS-COLORECTAL CANCER SYNDROME. Identifiers: Orphanet 300576, MedGen C1837750, MONDO:0012075, OMIM 608615. Disease mechanism: loss of function.

Allele frequency attached by ClinVar (database versions not stated): ExAC 0.00001; gnomAD exomes 0.00001.
gnomAD v4.1: 7 of 1,613,444 alleles (0.00043%); highest among the groups gnomAD compares: South Asian, 0.0011%; no homozygotes.

Submissions (5):

Labcorp Genetics (formerly Invitae), Labcorp
Classification: Uncertain significance for Oligodontia-cancer predisposition syndrome. Last evaluated: 2025-12-10. Review status: criteria provided, single submitter. Criteria: Invitae Variant Classification Sherloc (09022015). Collection method: clinical testing. Allele origin: germline.
Comment: This sequence change affects an acceptor splice site in intron 7 of the AXIN2 gene. RNA analysis indicates that disruption of this splice site induces altered splicing and likely results in the loss of 3 amino acid residue(s), but is expected to preserve the integrity of the reading-frame. This variant is present in population databases (rs773157765, gnomAD 0.002%). This variant has not been reported in the literature in individuals affected with AXIN2-related conditions. ClinVar contains an entry for this variant (Variation ID: 464582). Studies have shown that disruption of this splice site results in the activation of a cryptic splice site in exon 8 (internal data). In summary, the available evidence is currently insufficient to determine the role of this variant in disease. Therefore, it has been classified as a Variant of Uncertain Significance.

Dasa
Classification: Uncertain significance. Last evaluated: 2025-08-04. Review status: criteria provided, single submitter. Criteria: DASA Assertion Criteria. Collection method: clinical testing. Allele origin: germline.
Comment: NM_004655.4(AXIN2):c.1908-1G>A affects a canonical splice site and is predicted to disrupt normal RNA splicing. This variant is rare in population databases. The currently available literature and clinical evidence are not sufficient to establish a definitive association between this variant and the reported condition. Therefore, this variant is classified as a variant of uncertain significance.

Ambry Genetics
Classification: Uncertain significance for Hereditary cancer-predisposing syndrome. Last evaluated: 2024-12-19. Review status: criteria provided, single submitter. Criteria: Ambry Variant Classification Scheme 2023. Collection method: clinical testing. Allele origin: germline.
Comment: The c.1908-1G>A intronic variant results from a G to A substitution one nucleotide upstream from coding exon 7 of the AXIN2 gene. Alterations that disrupt the canonical splice site are expected to result in aberrant splicing. In silico splice site analysis predicts that this alteration will weaken the native splice acceptor site and will result in the creation or strengthening of a novel splice acceptor site. RNA studies have demonstrated that this alteration results in a transcript predicted to lead to a protein with an in-frame deletion of 3 amino acids; however, the exact functional impact of the deleted amino acids are unknown at this time (Ambry internal data). This nucleotide position is highly conserved in available vertebrate species. Based on the available evidence, the clinical significance of this variant remains unclear.

Baylor Genetics
Classification: Uncertain significance for Colorectal cancer. Last evaluated: 2024-03-01. Review status: criteria provided, single submitter. Criteria: ACMG Guidelines, 2015. Collection method: clinical testing. Allele origin: unknown.

GeneDx
Classification: Uncertain significance. Last evaluated: 2023-05-18. Review status: criteria provided, single submitter. Criteria: GeneDx Variant Classification Process June 2021. Collection method: clinical testing. Allele origin: germline. Affected: yes.
Comment: Canonical splice site variant in a gene or region of a gene for which loss of function is not a well-established mechanism of disease; Not observed at significant frequency in large population cohorts (gnomAD); Has not been previously published as pathogenic or benign to our knowledge; This variant is associated with the following publications: (PMID: 15735151)